The following is an entry in ClinVar:

ClinVar aggregate classification (germline): Pathogenic (1 of 4 stars; one submission).

Allele frequency attached by ClinVar (database versions not stated): gnomAD 0.00001.

Submission:

Labcorp Genetics (formerly Invitae), Labcorp
Classification: Pathogenic. Last evaluated: 2022-05-21. Review status: criteria provided, single submitter. Criteria: Invitae Variant Classification Sherloc (09022015). Collection method: clinical testing. Allele origin: germline.
Comment: This variant has not been reported in the literature in individuals affected with MTTP-related conditions. This variant is not present in population databases (gnomAD no frequency). This sequence change creates a premature translational stop signal (p.Val63Glyfs*10) in the MTTP gene. It is expected to result in an absent or disrupted protein product. Loss-of-function variants in MTTP are known to be pathogenic (PMID: 8533758, 9671739). For these reasons, this variant has been classified as Pathogenic.

Literature cited by the submitters: PubMed 8533758; PubMed 9671739.

NM_001386140.1(MTTP):c.186_187del (p.Val63fs)

Gene: MTTP (microsomal triglyceride transfer protein; plus strand). Cytogenetic location: 4q23.
Variant type: Deletion.
Coding change: c.186_187del on transcript NM_001386140.1 (MANE Select); coding-DNA positions 186 to 187, 2 bases deleted (CG; older notation c.186_187delCG).
Protein change: p.Val63fs; shifts the reading frame from valine 63.
Molecular consequence: frameshift variant. On other transcripts: 5 prime UTR variant (1).
Genome position (GRCh38, 1-based): chr4:99,582,029-99,582,030, CG deleted. VCF-style (leftmost placement, unchanged base first): chr4-99582028-ACG-A. GRCh37 (hg19) VCF-style: chr4-100503185-ACG-A.
Other names: c.186_187del, p.Val63fs (NM_000253.4); c.-64_-63del (NM_001300785.2); short protein forms V63fs.
Identifiers: ClinVar variation 2064741 (VCV002064741.4), dbSNP rs1469276846, ClinGen allele CA800746592.
Genomic context (GRCh38, chr4:99,582,028, plus strand): 5'-TTCTTCTTGATCGGGGCAAAGGAAAACTGCAAGACAGCGTGGGCTACCGCATTTCCTCCA[ACG>A]TGGATGTGGCCTTACTATGGAGGAATCCTGATGGTGATGATGACCAGTTGATCCAAATAA-3'